The following is an entry in ClinVar:

NM_001376.5(DYNC1H1):c.3583C>T (p.Arg1195Cys)

Gene: DYNC1H1 (dynein cytoplasmic 1 heavy chain 1; plus strand). Cytogenetic location: 14q32.31.
Variant type: single nucleotide variant.
Coding change: c.3583C>T on transcript NM_001376.5 (MANE Select); coding-DNA position 3583, C replaced by T.
Protein change: p.Arg1195Cys; replaces arginine 1195 with cysteine.
Molecular consequence: missense variant.
Genome position (GRCh38, 1-based): chr14:101,997,053, C>T. VCF-style: chr14-101997053-C-T. GRCh37 (hg19) VCF-style: chr14-102463390-C-T.
Other names: c.3583C>T (NM_001376.4); short protein forms R1195C.
Identifiers: ClinVar variation 1465973 (VCV001465973.8), dbSNP rs767427937, ClinGen allele CA7352056.

ClinVar aggregate classification (germline): Uncertain significance. Review status: criteria provided, multiple submitters, no conflicts (2 of 4 stars). 3 submissions from 3 submitters: Uncertain significance (3). Last evaluated 2025-11-17.

Conditions:
Inborn genetic diseases. Identifiers: MedGen C0950123, MeSH D030342.
Charcot-Marie-Tooth disease axonal type 2O. Also called: CHARCOT-MARIE-TOOTH NEUROPATHY, AXONAL, TYPE 2O; CHARCOT-MARIE-TOOTH DISEASE, AXONAL, AUTOSOMAL DOMINANT, TYPE 2O; Charcot-Marie-Tooth Neuropathy Type 2O; Charcot-Marie-Tooth disease, axonal, type 20. Identifiers: Orphanet 284232, MedGen C3280220, MONDO:0013644, OMIM 614228.
DYNC1H1-related disorder. Also called: DYNC1H1-related condition; DYNC1H1-related disorders. Identifiers: MedGen CN381529.

Allele frequency attached by ClinVar (database versions not stated): gnomAD exomes below 0.00001 and 0.00001; TOPMed below 0.00001; ExAC 0.00001; gnomAD 0.00001.
gnomAD v4.1: 18 of 1,614,000 alleles (0.0011%); highest among the groups gnomAD compares: Non-Finnish European, 0.0014%; no homozygotes.

Submissions (3):

Labcorp Genetics (formerly Invitae), Labcorp
Classification: Uncertain significance for Charcot-Marie-Tooth disease axonal type 2O. Last evaluated: 2025-11-17. Review status: criteria provided, single submitter. Criteria: Invitae Variant Classification Sherloc (09022015). Collection method: clinical testing. Allele origin: germline.
Comment: This sequence change replaces arginine, which is basic and polar, with cysteine, which is neutral and slightly polar, at codon 1195 of the DYNC1H1 protein (p.Arg1195Cys). This variant is present in population databases (rs767427937, gnomAD 0.003%). This variant has not been reported in the literature in individuals affected with DYNC1H1-related conditions. ClinVar contains an entry for this variant (Variation ID: 1465973). Invitae Evidence Modeling of protein sequence and biophysical properties (such as structural, functional, and spatial information, amino acid conservation, physicochemical variation, residue mobility, and thermodynamic stability) indicates that this missense variant is expected to disrupt DYNC1H1 protein function with a positive predictive value of 95%. In summary, the available evidence is currently insufficient to determine the role of this variant in disease. Therefore, it has been classified as a Variant of Uncertain Significance.

PreventionGenetics, part of Exact Sciences
Classification: Uncertain significance for DYNC1H1-related condition. Last evaluated: 2022-12-21. Review status: criteria provided, single submitter. Criteria: ACMG Guidelines, 2015. Collection method: clinical testing. Allele origin: germline.
Comment: The DYNC1H1 c.3583C>T variant is predicted to result in the amino acid substitution p.Arg1195Cys. To our knowledge, this variant has not been reported in the literature. This variant is reported in 0.0033% of alleles in individuals of South Asian descent in gnomAD. At this time, the clinical significance of this variant is uncertain due to the absence of conclusive functional and genetic evidence.

Ambry Genetics
Classification: Uncertain significance for Inborn genetic diseases. Last evaluated: 2022-07-13. Review status: criteria provided, single submitter. Criteria: Ambry Variant Classification Scheme 2023. Collection method: clinical testing. Allele origin: germline.